The following is an entry in ClinVar:

ClinVar aggregate classification (germline): Uncertain significance (1 of 4 stars; one submission).

Conditions:
Hereditary cancer-predisposing syndrome. Also called: Hereditary neoplastic syndrome; Neoplastic Syndromes, Hereditary; Tumor predisposition; Hereditary Cancer Syndrome. Identifiers: Orphanet 140162, MedGen C0027672, MeSH D009386, MONDO:0015356.

Submission:

Ambry Genetics
Classification: Uncertain significance for Hereditary cancer-predisposing syndrome. Last evaluated: 2025-08-27. Review status: criteria provided, single submitter. Criteria: Ambry Variant Classification Scheme 2023. Collection method: clinical testing. Allele origin: germline.
Comment: The p.S538Y variant (also known as c.1613C>A), located in coding exon 16 of the MUTYH gene, results from a C to A substitution at nucleotide position 1613. The serine at codon 538 is replaced by tyrosine, an amino acid with dissimilar properties. This amino acid position is conserved. In addition, this alteration is predicted to be tolerated by in silico analysis. Based on the available evidence, the clinical significance of this variant remains unclear.

NM_001048174.2(MUTYH):c.1529C>A (p.Ser510Tyr)

Gene: MUTYH (mutY DNA glycosylase; minus strand). Cytogenetic location: 1p34.1.
Variant type: single nucleotide variant.
Coding change: c.1529C>A on transcript NM_001048174.2 (MANE Select); coding-DNA position 1529, C replaced by A.
Protein change: p.Ser510Tyr; replaces serine 510 with tyrosine.
Molecular consequence: missense variant. On other transcripts: non-coding transcript variant (7).
Genome position (GRCh38, 1-based): chr1:45,329,343, G>T on the plus strand (C>A on the coding strand, the complement: MUTYH is on the minus strand). VCF-style: chr1-45329343-G-T. GRCh37 (hg19) VCF-style: chr1-45795015-G-T.
Other names: c.1574C>A, p.Ser525Tyr (NM_001293190.2); c.1562C>A, p.Ser521Tyr (NM_001293191.2, NM_001407069.1, NM_001407077.1); c.1253C>A, p.Ser418Tyr (NM_001293192.2, NM_001293196.2, NM_001407091.1); c.1529C>A, p.Ser510Tyr (NM_001293195.2, NM_001407070.1, NM_001048171.2 and 6 more transcripts); c.1184C>A, p.Ser395Tyr (NM_001350650.2, NM_001350651.2, NM_001407082.1); c.1532C>A, p.Ser511Tyr (NM_001048172.2, NM_001407071.1, NM_001407078.1 and 1 more transcripts); c.1613C>A, p.Ser538Tyr (NM_001128425.2); c.1445C>A, p.Ser482Tyr (NM_001407075.1); and 5 more; short protein forms S418Y, S496Y, S511Y, S517Y, S535Y, S395Y, S521Y, S525Y.
Identifiers: ClinVar variation 4113443 (VCV004113443.1).
Genomic context (GRCh38, chr1:45,329,343, plus strand): 5'-GGGAATGGGGGCTTTCAGAGGTGTCACTGGGCTGCACTGTTGAGGCTGTGTGCATCAGTG[G>T]AGATGTGAGACCGAAAGAAATTATCCAGGACTTGCTGGCCCATGCGGGGCTTTTTCCGAC-3'
Protein context (NP_001041639.1, residues 500-520): VLDNFFRSHI[Ser510Tyr]TDAHSLNSAA